The following is an entry in ClinVar:

ClinVar aggregate classification (germline): Likely pathogenic (1 of 4 stars; one submission).

Conditions:
Holoprosencephaly 9 (HPE9). Also called: PITUITARY ANOMALIES WITH HOLOPROSENCEPHALY-LIKE FEATURES; HOLOPROSENCEPHALY WITH MICROPHTHALMIA AND FIRST BRANCHIAL ARCH ANOMALIES. Identifiers: Orphanet 2162, MedGen C1835819, MONDO:0012563, OMIM 610829.

gnomAD v4.1: 1 of 1,557,200 alleles (0.000064%); highest among the groups gnomAD compares: Non-Finnish European, 0.000087%; no homozygotes.

Submission:

CGC Genetics, Unilabs
Classification: Likely pathogenic for Holoprosencephaly 9. Last evaluated: 2025-11-05. Review status: criteria provided, single submitter. Criteria: ACMG Guidelines, 2015. Collection method: clinical testing. Allele origin: germline. Inheritance: Autosomal dominant inheritance. Affected: yes. Observed: 1 variant allele.
Comment: The NM_001374353.1:c.458-2A>G p.? variant, detected in heterozygosity in the intron 4 (of 14 exons) of the GLI2 gene (chr.2) is not described in the literature nor in the gnomAD and ClinVar databases. This variant is located in a canonical splicing acceptor site and bioinformatic analysis predicts that it affects the correct splicing of exon 5. With the available information, this should be classified as a likely pathogenic variant.

NM_001374353.1(GLI2):c.458-2A>G

Gene: GLI2 (GLI family zinc finger 2; plus strand). Cytogenetic location: 2q14.2.
Variant type: single nucleotide variant.
Coding change: c.458-2A>G on transcript NM_001374353.1 (MANE Select); the canonical splice acceptor site of the intron before coding-DNA position 458, A replaced by G.
Molecular consequence: splice acceptor variant.
Genome position (GRCh38, 1-based): chr2:120,955,243, A>G. VCF-style: chr2-120955243-A-G. GRCh37 (hg19) VCF-style: chr2-121712819-A-G.
Other names: c.458-2A>G (NM_001371271.1, NM_005270.5); c.83-2A>G (NM_001374354.1).
Identifiers: ClinVar variation 4851587 (VCV004851587.1).